The following is an entry in ClinVar:

ClinVar aggregate classification (germline): Conflicting classifications of pathogenicity. Review status: criteria provided, conflicting classifications (1 of 4 stars). 2 submissions from 2 submitters: Likely pathogenic (1); Uncertain significance (1). Last evaluated 2023-10-01.

Submissions (2):

CeGaT Center for Human Genetics Tuebingen
Classification: Uncertain significance. Last evaluated: 2023-10-01. Review status: criteria provided, single submitter. Criteria: CeGaT Center For Human Genetics Tuebingen Variant Classification Criteria Version 2. Collection method: clinical testing. Allele origin: germline. Affected: yes. Observed: 2 variant alleles.
Comment: ACP5: PM2, PM3

Centre of Medical Genetics, University Hospital Muenster
Classification: Likely pathogenic. Last evaluated: 2022-02-21. Review status: criteria provided, single submitter. Criteria: ACMG Guidelines, 2015. Collection method: clinical testing. Allele origin: unknown. Affected: yes. Observed: 1 variant allele, 1 homozygote.
Comment: ACMG categories: PS5,PM1,PM2,PP3

NM_001611.5(ACP5):c.772A>C (p.Ser258Arg)

Gene: ACP5 (acid phosphatase 5, tartrate resistant; minus strand). Cytogenetic location: 19p13.2.
Variant type: single nucleotide variant.
Coding change: c.772A>C on transcript NM_001611.5 (MANE Select); coding-DNA position 772, A replaced by C.
Protein change: p.Ser258Arg; replaces serine 258 with arginine.
Molecular consequence: missense variant.
Genome position (GRCh38, 1-based): chr19:11,575,216, T>G on the plus strand (A>C on the coding strand, the complement: ACP5 is on the minus strand). VCF-style: chr19-11575216-T-G. GRCh37 (hg19) VCF-style: chr19-11686031-T-G.
Other names: c.772A>C, p.Ser258Arg (NM_001111034.3, NM_001111035.3, NM_001111036.3 and 1 more transcripts); short protein forms S258R.
Identifiers: ClinVar variation 1708367 (VCV001708367.26), dbSNP rs2512719998, ClinGen allele CA404145844.